The following is an entry in ClinVar:

NM_001384732.1(CPLANE1):c.5597C>T (p.Pro1866Leu)

Gene: CPLANE1 (ciliogenesis and planar polarity effector complex subunit 1; minus strand). Cytogenetic location: 5p13.2.
Variant type: single nucleotide variant.
Coding change: c.5597C>T on transcript NM_001384732.1 (MANE Select); coding-DNA position 5597, C replaced by T.
Protein change: p.Pro1866Leu; replaces proline 1866 with leucine.
Molecular consequence: missense variant.
Genome position (GRCh38, 1-based): chr5:37,180,157, G>A on the plus strand (C>T on the coding strand, the complement: CPLANE1 is on the minus strand). VCF-style: chr5-37180157-G-A. GRCh37 (hg19) VCF-style: chr5-37180259-G-A.
Other names: c.5597C>T, p.Pro1866Leu (NM_023073.4); short protein forms P1866L.
Identifiers: ClinVar variation 2095987 (VCV002095987.4), dbSNP rs2547773785, ClinGen allele CA359490482.
Genomic context (GRCh38, chr5:37,180,157, plus strand): 5'-AATTCTTTTTTAGTATTATGAGTGATGGAAATAATATCATCATTGATTTCTTTTATATCA[G>A]GATTTTTTGCTTCAGTTGGCATTCTACTGAAAAAAATGCAGCAACTAAAATTACAACTAT-3'
Protein context (NP_001371661.1, residues 1856-1876): LNRMPTEAKN[Pro1866Leu]DIKEINDDII

ClinVar aggregate classification (germline): Uncertain significance (1 of 4 stars; one submission).

Submission:

Labcorp Genetics (formerly Invitae), Labcorp
Classification: Uncertain significance. Last evaluated: 2022-02-10. Review status: criteria provided, single submitter. Criteria: Invitae Variant Classification Sherloc (09022015). Collection method: clinical testing. Allele origin: germline.
Comment: This variant has not been reported in the literature in individuals affected with CPLANE1-related conditions. Advanced modeling of protein sequence and biophysical properties (such as structural, functional, and spatial information, amino acid conservation, physicochemical variation, residue mobility, and thermodynamic stability) performed at Invitae indicates that this missense variant is not expected to disrupt CPLANE1 protein function. In summary, the available evidence is currently insufficient to determine the role of this variant in disease. Therefore, it has been classified as a Variant of Uncertain Significance. This variant is not present in population databases (gnomAD no frequency). This sequence change replaces proline, which is neutral and non-polar, with leucine, which is neutral and non-polar, at codon 1866 of the CPLANE1 protein (p.Pro1866Leu).